The following is an entry in ClinVar:

NM_000059.4(BRCA2):c.6610C>G (p.Pro2204Ala)

Gene: BRCA2 (BRCA2 DNA repair associated; plus strand). Cytogenetic location: 13q13.1.
Variant type: single nucleotide variant.
Coding change: c.6610C>G on transcript NM_000059.4 (MANE Select); coding-DNA position 6610, C replaced by G.
Protein change: p.Pro2204Ala; replaces proline 2204 with alanine.
Molecular consequence: missense variant.
Genome position (GRCh38, 1-based): chr13:32,340,965, C>G. VCF-style: chr13-32340965-C-G. GRCh37 (hg19) VCF-style: chr13-32915102-C-G.
Other names: short protein forms P2204A.
Identifiers: ClinVar variation 921894 (VCV000921894.9), dbSNP rs2072560609, ClinGen allele CA387790147.

ClinVar aggregate classification (germline): Conflicting classifications of pathogenicity. Review status: criteria provided, conflicting classifications (1 of 4 stars). 3 submissions from 3 submitters: Uncertain significance (2); Likely benign (1). Last evaluated 2024-06-22.

Conditions:
Hereditary cancer-predisposing syndrome. Also called: Neoplastic Syndromes, Hereditary; Tumor predisposition; Hereditary Cancer Syndrome; Hereditary neoplastic syndrome. Identifiers: Orphanet 140162, MedGen C0027672, MeSH D009386, MONDO:0015356.

Submissions (3):

Ambry Genetics
Classification: Uncertain significance for Hereditary cancer-predisposing syndrome. Last evaluated: 2024-06-22. Review status: criteria provided, single submitter. Criteria: Ambry Variant Classification Scheme 2023. Collection method: clinical testing. Allele origin: germline.
Comment: The p.P2204A variant (also known as c.6610C>G), located in coding exon 10 of the BRCA2 gene, results from a C to G substitution at nucleotide position 6610. The proline at codon 2204 is replaced by alanine, an amino acid with highly similar properties. This amino acid position is not well conserved in available vertebrate species. In addition, this alteration is predicted to be tolerated by in silico analysis. Since supporting evidence is limited at this time, the clinical significance of this alteration remains unclear.

Color Diagnostics, LLC DBA Color Health
Classification: Uncertain significance for Hereditary cancer-predisposing syndrome. Last evaluated: 2023-12-04. Review status: criteria provided, single submitter. Criteria: ACMG Guidelines, 2015. Collection method: clinical testing. Allele origin: germline.
Comment: This missense variant replaces proline with alanine at codon 2204 of the BRCA2 protein. Computational prediction is inconclusive regarding the impact of this variant on protein structure and function (internally defined REVEL score threshold 0.5 < inconclusive < 0.7, PMID: 27666373). To our knowledge, functional studies have not been reported for this variant. This variant has not been reported in individuals affected with BRCA2-related disorders in the literature. This variant has not been identified in the general population by the Genome Aggregation Database (gnomAD). The available evidence is insufficient to determine the role of this variant in disease conclusively. Therefore, this variant is classified as a Variant of Uncertain Significance.

University of Washington Department of Laboratory Medicine, University of Washington
Classification: Likely benign for Hereditary cancer-predisposing syndrome. Last evaluated: 2023-03-23. Review status: criteria provided, single submitter. Criteria: Dines et al. (Genet Med. 2020). Collection method: curation. Allele origin: germline.
Comment: Missense variant in a coldspot region where missense variants are very unlikely to be pathogenic (PMID:31911673).

BRCA2 exon 11 coldspot. Reclassification based on statistical prior probability.